The following is an entry in ClinVar:

ClinVar aggregate classification (germline): Benign/Likely benign. Review status: criteria provided, multiple submitters, no conflicts (2 of 4 stars). 4 submissions from 4 submitters: Benign (1); Likely benign (3). Last evaluated 2026-01-21.

Allele frequency attached by ClinVar (database versions not stated): TOPMed 0.00001; gnomAD 0.00005; ExAC 0.00028.
gnomAD v4.1: 156 of 1,612,038 alleles (0.0097%); highest among the groups gnomAD compares: South Asian, 0.14%; 1 homozygote.

Submissions (4):

Labcorp Genetics (formerly Invitae), Labcorp
Classification: Benign. Last evaluated: 2026-01-21. Review status: criteria provided, single submitter. Criteria: Invitae Variant Classification Sherloc (09022015). Collection method: clinical testing. Allele origin: germline.

Women's Health and Genetics/Laboratory Corporation of America, LabCorp
Classification: Likely benign. Last evaluated: 2025-12-04. Review status: criteria provided, single submitter. Criteria: LabCorp Variant Classification Summary - May 2015. Collection method: clinical testing. Allele origin: germline.

CeGaT Center for Human Genetics Tuebingen
Classification: Likely benign. Last evaluated: 2025-02-01. Review status: criteria provided, single submitter. Criteria: CeGaT Center For Human Genetics Tuebingen Variant Classification Criteria Version 2. Collection method: clinical testing. Allele origin: germline. Affected: yes. Observed: 2 variant alleles.
Comment: MCPH1: BP4, BP7

Blueprint Genetics
Classification: Likely benign. Last evaluated: 2024-10-25. Review status: criteria provided, single submitter. Criteria: ACMG Guidelines, 2015. Collection method: clinical testing. Allele origin: germline.

NM_024596.5(MCPH1):c.9C>T (p.Ala3=)

Gene: MCPH1 (microcephalin 1; plus strand). Cytogenetic location: 8p23.1.
Variant type: single nucleotide variant.
Coding change: c.9C>T on transcript NM_024596.5 (MANE Select); coding-DNA position 9, C replaced by T.
Protein change: p.Ala3=; no amino-acid change (alanine 3 retained).
Molecular consequence: synonymous variant. On other transcripts: non-coding transcript variant (1).
Genome position (GRCh38, 1-based): chr8:6,406,676, C>T. VCF-style: chr8-6406676-C-T. GRCh37 (hg19) VCF-style: chr8-6264197-C-T.
Other names: c.9C>T, p.Ala3= (NM_001172574.2, NM_001172575.2, NM_001322042.2 and 5 more transcripts).
Identifiers: ClinVar variation 2415593 (VCV002415593.31), dbSNP rs762789401, ClinGen allele CA4609974.
Genomic context (GRCh38, chr8:6,406,676, plus strand): 5'-GCCAGGCTCGCAAGCACCGCGTAGGCCAGCTGGCCGGATCCCGCCGTCTGTCATGGCGGC[C>T]CCCATCCTGAAAGGTGAGGTACTTCCTGCTGCCTGCTCCAGCAGCGGGAGTTTGAGGACC-3'
Protein context (NP_078872.3, residues 1-13): MA[Ala3=]PILKDVVAYV